The following is an entry in ClinVar:

NM_000202.8(IDS):c.680A>T (p.Lys227Met)

Genes: IDS (iduronate 2-sulfatase; minus strand), LOC106050102 (IDS recombination region; plus strand). Cytogenetic location: Xq28.
Variant type: single nucleotide variant.
Coding change: c.680A>T on transcript NM_000202.8 (MANE Select); coding-DNA position 680, A replaced by T.
Protein change: p.Lys227Met; replaces lysine 227 with methionine.
Molecular consequence: missense variant. On other transcripts: non-coding transcript variant (1).
Genome position (GRCh38, 1-based): chrX:149,498,135, T>A on the plus strand (A>T on the coding strand, the complement: IDS is on the minus strand). VCF-style: chrX-149498135-T-A. GRCh37 (hg19) VCF-style: chrX-148579666-T-A.
Other names: c.410A>T, p.Lys137Met (NM_001166550.4); c.680A>T, p.Lys227Met (NM_006123.5); short protein forms K137M, K227M.
Identifiers: ClinVar variation 3255799 (VCV003255799.2).

ClinVar aggregate classification (germline): Likely pathogenic (1 of 4 stars; one submission).

Conditions:
Mucopolysaccharidosis, MPS-II (MPS2). Also called: Hunter Syndrome; IDURONATE 2-SULFATASE DEFICIENCY; Mucopolysaccharidosis Type II; Mucopolysaccharidosis type 2; Attenuated MPS (subtype; formerly known as mild MPS II); Severe MPS II. Identifiers: Orphanet 580, Orphanet 79388, MedGen C0026705, MONDO:0010674, OMIM 309900.

Submission:

Laboratory of Diagnosis and Therapy of Lysosomal Disorders, University of Padova
Classification: Likely pathogenic for Mucopolysaccharidosis, MPS-II. Last evaluated: 2024-06-07. Review status: criteria provided, single submitter. Criteria: ACMG Guidelines, 2015. Collection method: literature only. Allele origin: germline. Affected: yes. Observed: 2 variant alleles.
Comment: Absent from controls (or at low frequency) in gnomAD database (PM2_Moderate), Missense variant in a gene with a low rate of benign missense variation (PP2_Supporting), Multiple lines of computational evidence support a deleterious effect (PP3_Supporting), Patient’s phenotype or family history highly specific for the disease (PP4_Strong)

Classification method: ACMG Guidelines [PMID:25741868] with modifications

Literature cited by the submitters: PubMed 9501270; PubMed 16133661.